The following is an entry in ClinVar:

NM_001384732.1(CPLANE1):c.7179A>C (p.Glu2393Asp)

Gene: CPLANE1 (ciliogenesis and planar polarity effector complex subunit 1; minus strand). Cytogenetic location: 5p13.2.
Variant type: single nucleotide variant.
Coding change: c.7179A>C on transcript NM_001384732.1 (MANE Select); coding-DNA position 7179, A replaced by C.
Protein change: p.Glu2393Asp; replaces glutamic acid 2393 with aspartic acid.
Molecular consequence: missense variant.
Genome position (GRCh38, 1-based): chr5:37,168,845, T>G on the plus strand (A>C on the coding strand, the complement: CPLANE1 is on the minus strand). VCF-style: chr5-37168845-T-G. GRCh37 (hg19) VCF-style: chr5-37168947-T-G.
Other names: c.7179A>C, p.Glu2393Asp (NM_023073.4); short protein forms E2393D.
Identifiers: ClinVar variation 2874702 (VCV002874702.1), dbSNP rs1269829940, ClinGen allele CA359477914.
Genomic context (GRCh38, chr5:37,168,845, plus strand): 5'-CATTACCCTATTTTCTGGGGACAAATGTGAATGAAGTAATGACAATCTTGGGTATTTTCT[T>G]TCTTCTGCTATAGGTTGGATAGGTGTTGAGGGAACTGTAATAGATGCTCTTGAGGTTGAT-3'
Protein context (NP_001371661.1, residues 2383-2403): PSTPIQPIAE[Glu2393Asp]RKYPRLSLLH

ClinVar aggregate classification (germline): Uncertain significance (1 of 4 stars; one submission).

Allele frequency attached by ClinVar (database versions not stated): gnomAD exomes below 0.00001; gnomAD 0.00001; TOPMed 0.00001.
gnomAD v4.1: 2 of 1,613,760 alleles (0.00012%); highest among the groups gnomAD compares: Admixed American, 0.0017%; no homozygotes.

Submission:

Labcorp Genetics (formerly Invitae), Labcorp
Classification: Uncertain significance. Last evaluated: 2022-11-24. Review status: criteria provided, single submitter. Criteria: Invitae Variant Classification Sherloc (09022015). Collection method: clinical testing. Allele origin: germline.
Comment: In summary, the available evidence is currently insufficient to determine the role of this variant in disease. Therefore, it has been classified as a Variant of Uncertain Significance. Advanced modeling of protein sequence and biophysical properties (such as structural, functional, and spatial information, amino acid conservation, physicochemical variation, residue mobility, and thermodynamic stability) performed at Invitae indicates that this missense variant is not expected to disrupt CPLANE1 protein function. This variant has not been reported in the literature in individuals affected with CPLANE1-related conditions. This variant is present in population databases (no rsID available, gnomAD 0.003%). This sequence change replaces glutamic acid, which is acidic and polar, with aspartic acid, which is acidic and polar, at codon 2393 of the CPLANE1 protein (p.Glu2393Asp).